The following is an entry in ClinVar:

NM_213599.3(ANO5):c.2554T>C (p.Trp852Arg)

Gene: ANO5 (anoctamin 5; plus strand). Cytogenetic location: 11p14.3.
Variant type: single nucleotide variant.
Coding change: c.2554T>C on transcript NM_213599.3 (MANE Select); coding-DNA position 2554, T replaced by C.
Protein change: p.Trp852Arg; replaces tryptophan 852 with arginine.
Molecular consequence: missense variant.
Genome position (GRCh38, 1-based): chr11:22,279,577, T>C. VCF-style: chr11-22279577-T-C. GRCh37 (hg19) VCF-style: chr11-22301123-T-C.
Other names: c.2551T>C, p.Trp851Arg (NM_001142649.2); short protein forms W851R, W852R.
Identifiers: ClinVar variation 853768 (VCV000853768.10), dbSNP rs1405710743, ClinGen allele CA379924911.

ClinVar aggregate classification (germline): Uncertain significance (1 of 4 stars; one submission).

Conditions:
Gnathodiaphyseal dysplasia (GDD). Also called: GNATHODIAPHYSEAL SCLEROSIS; OSTEOGENESIS IMPERFECTA WITH UNUSUAL SKELETAL LESIONS. Identifiers: Orphanet 53697, MedGen C1833736, MONDO:0008151, OMIM 166260.
Autosomal recessive limb-girdle muscular dystrophy type 2L (LGMDR12). Also called: MUSCULAR DYSTROPHY, LIMB-GIRDLE, AUTOSOMAL RECESSIVE 12; Limb-Girdle Muscular Dystrophy R12 Anoctamin-5-Related (LGMD-R12); Limb-girdle muscular dystrophy, type 2L. Identifiers: Orphanet 206549, MedGen C1969785, MONDO:0012652, OMIM 611307.

Allele frequency attached by ClinVar (database versions not stated): gnomAD exomes below 0.00001 and 0.00001.
gnomAD v4.1: 7 of 1,612,824 alleles (0.00043%); highest among the groups gnomAD compares: South Asian, 0.0066%; no homozygotes.

Submission:

Labcorp Genetics (formerly Invitae), Labcorp
Classification: Uncertain significance for Autosomal recessive limb-girdle muscular dystrophy type 2L; Gnathodiaphyseal dysplasia. Last evaluated: 2022-07-05. Review status: criteria provided, single submitter. Criteria: Invitae Variant Classification Sherloc (09022015). Collection method: clinical testing. Allele origin: germline.
Comment: This sequence change replaces tryptophan, which is neutral and slightly polar, with arginine, which is basic and polar, at codon 852 of the ANO5 protein (p.Trp852Arg). This variant is present in population databases (no rsID available, gnomAD 0.003%). In summary, the available evidence is currently insufficient to determine the role of this variant in disease. Therefore, it has been classified as a Variant of Uncertain Significance. Advanced modeling of protein sequence and biophysical properties (such as structural, functional, and spatial information, amino acid conservation, physicochemical variation, residue mobility, and thermodynamic stability) performed at Invitae indicates that this missense variant is expected to disrupt ANO5 protein function. ClinVar contains an entry for this variant (Variation ID: 853768). This variant has not been reported in the literature in individuals affected with ANO5-related conditions.